The following is an entry in ClinVar:

ClinVar aggregate classification (germline): Uncertain significance (1 of 4 stars; one submission).

Allele frequency attached by ClinVar (database versions not stated): gnomAD exomes below 0.00001; gnomAD 0.00001; TOPMed 0.00003.
gnomAD v4.1: 3 of 1,606,520 alleles (0.00019%); highest among the groups gnomAD compares: African/African-American, 0.004%; no homozygotes.

Submission:

Labcorp Genetics (formerly Invitae), Labcorp
Classification: Uncertain significance. Last evaluated: 2023-09-01. Review status: criteria provided, single submitter. Criteria: Invitae Variant Classification Sherloc (09022015). Collection method: clinical testing. Allele origin: germline.
Comment: This sequence change replaces isoleucine, which is neutral and non-polar, with serine, which is neutral and polar, at codon 1612 of the KMT2A protein (p.Ile1612Ser). This variant is not present in population databases (gnomAD no frequency). This variant has not been reported in the literature in individuals affected with KMT2A-related conditions. Advanced modeling of protein sequence and biophysical properties (such as structural, functional, and spatial information, amino acid conservation, physicochemical variation, residue mobility, and thermodynamic stability) has been performed at Invitae for this missense variant, however the output from this modeling did not meet the statistical confidence thresholds required to predict the impact of this variant on KMT2A protein function. Algorithms developed to predict the effect of sequence changes on RNA splicing suggest that this variant may disrupt the consensus splice site. In summary, the available evidence is currently insufficient to determine the role of this variant in disease. Therefore, it has been classified as a Variant of Uncertain Significance.

NM_001197104.2(KMT2A):c.4835T>G (p.Ile1612Ser)

Gene: KMT2A (lysine methyltransferase 2A; plus strand). Cytogenetic location: 11q23.3.
Variant type: single nucleotide variant.
Coding change: c.4835T>G on transcript NM_001197104.2 (MANE Select); coding-DNA position 4835, T replaced by G.
Protein change: p.Ile1612Ser; replaces isoleucine 1612 with serine.
Molecular consequence: missense variant.
Genome position (GRCh38, 1-based): chr11:118,491,759, T>G. VCF-style: chr11-118491759-T-G. GRCh37 (hg19) VCF-style: chr11-118362474-T-G.
Other names: c.4925T>G, p.Ile1642Ser (NM_001412597.1); c.4826T>G, p.Ile1609Ser (NM_005933.4); short protein forms I1609S, I1642S, I1612S.
Identifiers: ClinVar variation 2873347 (VCV002873347.3), dbSNP rs1277166347, ClinGen allele CA382834595.